The following is an entry in ClinVar:

NM_025074.7(FRAS1):c.2272del (p.Cys758fs)

Gene: FRAS1 (Fraser extracellular matrix complex subunit 1; plus strand). Cytogenetic location: 4q21.21.
Variant type: Deletion.
Coding change: c.2272del on transcript NM_025074.7 (MANE Select); coding-DNA position 2272, one base deleted (T; older notation c.2272delT).
Protein change: p.Cys758fs; shifts the reading frame from cysteine 758.
Molecular consequence: frameshift variant.
Genome position (GRCh38, 1-based): chr4:78,333,406, T deleted; the last of 2 consecutive T bases (chr4:78,333,405-78,333,406); deleting either gives the same sequence. VCF-style (leftmost placement, unchanged base first): chr4-78333404-GT-G. GRCh37 (hg19) VCF-style: chr4-79254558-GT-G.
Other names: c.2272del, p.Cys758fs (NM_001166133.2); short protein forms C758fs.
Identifiers: ClinVar variation 2736127 (VCV002736127.3), dbSNP rs1287351569, ClinGen allele CA552630137.
Genomic context (GRCh38, chr4:78,333,404, plus strand): 5'-TGCTGTTGGATGGGCAGTGCCTCTCCCAGTGCCCAGATGGCTACTTTCACCAGGAAGGTA[GT>G]TGCACAGGTGAGTATGTAATGTGCTGAGGCACATTGCCTATGACCATGTTTTGTCTTCAG-3'

ClinVar aggregate classification (germline): Pathogenic (1 of 4 stars; one submission).

Submission:

Labcorp Genetics (formerly Invitae), Labcorp
Classification: Pathogenic. Last evaluated: 2024-02-23. Review status: criteria provided, single submitter. Criteria: Invitae Variant Classification Sherloc (09022015). Collection method: clinical testing. Allele origin: germline.
Comment: This sequence change creates a premature translational stop signal (p.Cys758Alafs*212) in the FRAS1 gene. It is expected to result in an absent or disrupted protein product. Loss-of-function variants in FRAS1 are known to be pathogenic (PMID: 12766769, 18671281). This variant is present in population databases (no rsID available, gnomAD 0.0009%). This variant has not been reported in the literature in individuals affected with FRAS1-related conditions. For these reasons, this variant has been classified as Pathogenic.

Literature cited by the submitters: PubMed 12766769; PubMed 18671281.